The following is an entry in ClinVar:

ClinVar aggregate classification (germline): Uncertain significance (1 of 4 stars; one submission).

Submission:

Ambry Genetics
Classification: Uncertain significance. Last evaluated: 2026-07-30. Review status: criteria provided, single submitter. Criteria: Ambry Variant Classification Scheme 2023. Collection method: clinical testing. Allele origin: germline.
Comment: The p.A479T variant (also known as c.1435G>A), located in coding exon 10 of the RINT1 gene, results from a G to A substitution at nucleotide position 1435. The alanine at codon 479 is replaced by threonine, an amino acid with similar properties. This amino acid position is conserved. In addition, the in silico prediction for this alteration is inconclusive. Based on the available evidence, the clinical significance of this variant remains unclear.

NM_021930.6(RINT1):c.1435G>A (p.Ala479Thr)

Gene: RINT1 (RAD50 interactor 1; plus strand). Cytogenetic location: 7q22.3.
Variant type: single nucleotide variant.
Coding change: c.1435G>A on transcript NM_021930.6 (MANE Select); coding-DNA position 1435, G replaced by A.
Protein change: p.Ala479Thr; replaces alanine 479 with threonine.
Molecular consequence: missense variant. On other transcripts: non-coding transcript variant (1).
Genome position (GRCh38, 1-based): chr7:105,551,671, G>A. VCF-style: chr7-105551671-G-A. GRCh37 (hg19) VCF-style: chr7-105192118-G-A.
Other names: c.1201G>A, p.Ala401Thr (NM_001346599.2); c.412G>A, p.Ala138Thr (NM_001346600.2, NM_001346603.2); c.511G>A, p.Ala171Thr (NM_001346601.2); short protein forms A401T, A171T, A479T, A138T.
Identifiers: ClinVar variation 5028254 (VCV005028254.1).